The following is an entry in ClinVar:

NM_004519.4(KCNQ3):c.2471C>G (p.Ser824Trp)

Gene: KCNQ3 (potassium voltage-gated channel subfamily Q member 3; minus strand). Cytogenetic location: 8q24.22.
Variant type: single nucleotide variant.
Coding change: c.2471C>G on transcript NM_004519.4 (MANE Select); coding-DNA position 2471, C replaced by G.
Protein change: p.Ser824Trp; replaces serine 824 with tryptophan.
Molecular consequence: missense variant.
Genome position (GRCh38, 1-based): chr8:132,129,410, G>C on the plus strand (C>G on the coding strand, the complement: KCNQ3 is on the minus strand). VCF-style: chr8-132129410-G-C. GRCh37 (hg19) VCF-style: chr8-133141657-G-C.
Other names: c.2111C>G, p.Ser704Trp (NM_001204824.2); c.2471C>G (NM_004519.3); short protein forms S704W, S824W.
Identifiers: ClinVar variation 1972475 (VCV001972475.6), dbSNP rs1019043967, ClinGen allele CA372215822.

ClinVar aggregate classification (germline): Uncertain significance. Review status: criteria provided, multiple submitters, no conflicts (2 of 4 stars). 2 submissions from 2 submitters: Uncertain significance (2). Last evaluated 2024-11-03.

Conditions:
Inborn genetic diseases. Identifiers: MedGen C0950123, MeSH D030342.
Benign neonatal seizures. Also called: Benign familial neonatal seizures; Benign familial neonatal epilepsy; Convulsions benign familial neonatal dominant form; Autosomal dominant form of benign neonatal seizures; Benign neonatal familial convulsions. Identifiers: Orphanet 1949, MedGen C0220669, MONDO:0016027.

gnomAD v4.1: 2 of 1,614,064 alleles (0.00012%); highest among the groups gnomAD compares: South Asian, 0.0011%; no homozygotes.

Submissions (2):

Labcorp Genetics (formerly Invitae), Labcorp
Classification: Uncertain significance for Benign neonatal seizures. Last evaluated: 2024-11-03. Review status: criteria provided, single submitter. Criteria: Invitae Variant Classification Sherloc (09022015). Collection method: clinical testing. Allele origin: germline.
Comment: This sequence change replaces serine, which is neutral and polar, with tryptophan, which is neutral and slightly polar, at codon 824 of the KCNQ3 protein (p.Ser824Trp). This variant is present in population databases (no rsID available, gnomAD 0.003%). This variant has not been reported in the literature in individuals affected with KCNQ3-related conditions. ClinVar contains an entry for this variant (Variation ID: 1972475). Invitae Evidence Modeling of protein sequence and biophysical properties (such as structural, functional, and spatial information, amino acid conservation, physicochemical variation, residue mobility, and thermodynamic stability) indicates that this missense variant is not expected to disrupt KCNQ3 protein function with a negative predictive value of 95%. In summary, the available evidence is currently insufficient to determine the role of this variant in disease. Therefore, it has been classified as a Variant of Uncertain Significance.

Ambry Genetics
Classification: Uncertain significance for Inborn genetic diseases. Last evaluated: 2023-09-22. Review status: criteria provided, single submitter. Criteria: Ambry Variant Classification Scheme 2023. Collection method: clinical testing. Allele origin: germline.